The following is an entry in ClinVar:

ClinVar aggregate classification (germline): Benign/Likely benign. Review status: criteria provided, multiple submitters, no conflicts (2 of 4 stars). 2 submissions from 2 submitters: Benign (1); Likely benign (1). Last evaluated 2024-10-30.

Allele frequency attached by ClinVar (database versions not stated): gnomAD 0.00004 and 0.00005; gnomAD exomes 0.00004 and 0.00016; TOPMed 0.00011; ExAC 0.00018.
gnomAD v4.1: 59 of 1,604,274 alleles (0.0037%); highest among the groups gnomAD compares: East Asian, 0.1%; no homozygotes.

Submissions (2):

Labcorp Genetics (formerly Invitae), Labcorp
Classification: Benign. Last evaluated: 2024-10-30. Review status: criteria provided, single submitter. Criteria: Invitae Variant Classification Sherloc (09022015). Collection method: clinical testing. Allele origin: germline.

CeGaT Center for Human Genetics Tuebingen
Classification: Likely benign. Last evaluated: 2023-10-01. Review status: criteria provided, single submitter. Criteria: CeGaT Center For Human Genetics Tuebingen Variant Classification Criteria Version 2. Collection method: clinical testing. Allele origin: germline. Affected: yes. Observed: 1 variant allele.
Comment: NSD1: BP4, BP7, BS1

NM_022455.5(NSD1):c.3540A>G (p.Lys1180=)

Gene: NSD1 (nuclear receptor binding SET domain protein 1; plus strand). Cytogenetic location: 5q35.3.
Variant type: single nucleotide variant.
Coding change: c.3540A>G on transcript NM_022455.5 (MANE Select); coding-DNA position 3540, A replaced by G.
Protein change: p.Lys1180=; no amino-acid change (lysine 1180 retained).
Molecular consequence: synonymous variant.
Genome position (GRCh38, 1-based): chr5:177,211,939, A>G. VCF-style: chr5-177211939-A-G. GRCh37 (hg19) VCF-style: chr5-176638940-A-G.
Other names: c.2667A>G, p.Lys889= (NM_001365684.2, NM_001409306.1, NM_001409307.1 and 3 more transcripts); c.3540A>G, p.Lys1180= (NM_001409301.1, NM_001409302.1, NM_001409303.1); c.3120A>G, p.Lys1040= (NM_001409304.1); c.2787A>G, p.Lys929= (NM_001409305.1).
Identifiers: ClinVar variation 352883 (VCV000352883.33), dbSNP rs776683728, ClinGen allele CA3577459.
Genomic context (GRCh38, chr5:177,211,939, plus strand): 5'-GCAGCGTTTAAACCAAAGGCGCACTAAACCTCGTAAGCGCATGAACAGATTTAAAGAGAA[A>G]GAAAACTCTGAGTGTGCCTTTAGGGTCTTACTTCCTAGTGACCCTGTGCAGGAGGGGCGG-3'
Protein context (NP_071900.2, residues 1170-1190): PRKRMNRFKE[Lys1180=]ENSECAFRVL